The following is an entry in ClinVar:

ClinVar aggregate classification (germline): Conflicting classifications of pathogenicity. Review status: criteria provided, conflicting classifications (1 of 4 stars). 7 submissions from 7 submitters: Uncertain significance (1); Benign (2); Likely benign (3). 1 of the submissions does not count toward it. Last evaluated 2026-09-21.

Conditions:
DK1-congenital disorder of glycosylation. Also called: CDG Im; DK1-CDG; CONGENITAL DISORDER OF GLYCOSYLATION, TYPE Im; DOLK-congenital disorder of glycosylation; Carbohydrate deficient glycoprotein syndrome type 1m; DK1 DEFICIENCY. Identifiers: Orphanet 91131, MedGen C1835849, MONDO:0012556, OMIM 610768.
DOLK-related disorder. Also called: DOLK-related condition.
Cardiovascular phenotype. Identifiers: MedGen CN230736.

Allele frequency attached by ClinVar (database versions not stated): gnomAD exomes 0.00048 and 0.00010; gnomAD 0.00019 and 0.00020; ExAC 0.00044; 1000 Genomes Project 30x 0.00031; TOPMed 0.00027; 1000 Genomes Project 0.00040.

Submissions (7):

Molecular Diagnostic Laboratory for Inherited Cardiovascular Disease, Montreal Heart Institute
Classification: Likely benign. Last evaluated: 2026-09-21. Review status: criteria provided, single submitter. Criteria: ACMG Guidelines, 2015. Collection method: clinical testing. Allele origin: germline. Affected: no.
Comment: BS1;BP7

Labcorp Genetics (formerly Invitae), Labcorp
Classification: Benign for DK1-congenital disorder of glycosylation. Last evaluated: 2026-02-01. Review status: criteria provided, single submitter. Criteria: Invitae Variant Classification Sherloc (09022015). Collection method: clinical testing. Allele origin: germline.

GeneDx
Classification: Likely benign. Last evaluated: 2020-12-03. Review status: criteria provided, single submitter. Criteria: GeneDx Variant Classification Process June 2021. Collection method: clinical testing. Allele origin: germline. Affected: yes.

Ambry Genetics
Classification: Likely benign for Cardiovascular phenotype. Last evaluated: 2019-09-20. Review status: criteria provided, single submitter. Criteria: Ambry Variant Classification Scheme 2023. Collection method: clinical testing. Allele origin: germline.

Illumina Laboratory Services, Illumina
Classification: Uncertain significance for DK1-congenital disorder of glycosylation. Last evaluated: 2018-01-13. Review status: criteria provided, single submitter. Criteria: ICSL Variant Classification Criteria 13 December 2019. Collection method: clinical testing. Allele origin: germline.

Laboratory for Molecular Medicine, Mass General Brigham Personalized Medicine
Classification: Benign. Last evaluated: 2015-04-04. Review status: criteria provided, single submitter. Criteria: LMM Criteria. Collection method: clinical testing. Allele origin: germline. Observed: 1 variant allele.
Comment: p.Ser479Ser in exon 1 of DOLK: This variant is not expected to have clinical sig nificance because it does not alter an amino acid residue, is not located within the splice consensus sequence, and has been identified in 0.6% (53/8601) of Eas t Asian chromosomes by the Exome Aggregation Consortium (ExAC).

PreventionGenetics, part of Exact Sciences
Classification: Benign for DOLK-related condition. Last evaluated: 2019-05-17. Review status: no assertion criteria provided. Collection method: clinical testing. Allele origin: germline. Not counted in ClinVar's aggregate classification.
Comment: This variant is classified as benign based on ACMG/AMP sequence variant interpretation guidelines (Richards et al. 2015 PMID: 25741868, with internal and published modifications).

NM_014908.4(DOLK):c.1437T>C (p.Ser479=)

Gene: DOLK (dolichol kinase; minus strand). Cytogenetic location: 9q34.11.
Variant type: single nucleotide variant.
Coding change: c.1437T>C on transcript NM_014908.4 (MANE Select); coding-DNA position 1437, T replaced by C.
Protein change: p.Ser479=; no amino-acid change (serine 479 retained).
Molecular consequence: synonymous variant.
Genome position (GRCh38, 1-based): chr9:128,945,867, A>G on the plus strand (T>C on the coding strand, the complement: DOLK is on the minus strand). VCF-style: chr9-128945867-A-G. GRCh37 (hg19) VCF-style: chr9-131708146-A-G.
Identifiers: ClinVar variation 226615 (VCV000226615.24), dbSNP rs574290806, ClinGen allele CA5271564.